The following is an entry in ClinVar:

NM_000218.3(KCNQ1):c.906G>C (p.Ala302=)

Gene: KCNQ1 (potassium voltage-gated channel subfamily Q member 1; plus strand). Cytogenetic location: 11p15.5.
Variant type: single nucleotide variant.
Coding change: c.906G>C on transcript NM_000218.3 (MANE Select); coding-DNA position 906, G replaced by C.
Protein change: p.Ala302=; no amino-acid change (alanine 302 retained).
Molecular consequence: synonymous variant. On other transcripts: intron variant (1).
Genome position (GRCh38, 1-based): chr11:2,572,971, G>C. VCF-style: chr11-2572971-G-C. GRCh37 (hg19) VCF-style: chr11-2594201-G-C.
Other names: c.906G>C, p.Ala302= (NM_001406836.1); c.636G>C, p.Ala212= (NM_001406837.1); c.525G>C, p.Ala175= (NM_181798.2); c.478-10464G>C (NM_001406838.1).
Identifiers: ClinVar variation 3074230 (VCV003074230.1), dbSNP rs200762150, ClinGen allele CA472038197.

ClinVar aggregate classification (germline): Likely benign (1 of 4 stars; one submission).

Conditions:
Long QT syndrome (LQTS). Identifiers: MedGen C0023976, MeSH D008133, MONDO:0002442. Disease mechanism: loss of function. Inheritance: Various modes of inheritance.

Submission:

All of Us Research Program, National Institutes of Health
Classification: Likely benign for Long QT syndrome. Last evaluated: 2023-11-02. Review status: criteria provided, single submitter. Criteria: ACMG Guidelines, 2015. Collection method: clinical testing. Allele origin: germline. Inheritance: Autosomal dominant inheritance. Observed: 1 variant allele, 1 heterozygote.
Comment: This study involves interpretation of variants in research participants for the purpose of population health screening. Participant phenotype was not available at the time of variant classification. Additional details can be found in publication PMID: 35346344, PMCID: PMC8962531